The following is an entry in ClinVar:

NM_032188.3(KAT8):c.541A>G (p.Lys181Glu)

Gene: KAT8 (lysine acetyltransferase 8; plus strand). Cytogenetic location: 16p11.2.
Variant type: single nucleotide variant.
Coding change: c.541A>G on transcript NM_032188.3 (MANE Select); coding-DNA position 541, A replaced by G.
Protein change: p.Lys181Glu; replaces lysine 181 with glutamic acid.
Molecular consequence: missense variant.
Genome position (GRCh38, 1-based): chr16:31,127,213, A>G. VCF-style: chr16-31127213-A-G. GRCh37 (hg19) VCF-style: chr16-31138534-A-G.
Other names: c.541A>G, p.Lys181Glu (NM_182958.4); short protein forms K181E.
Identifiers: ClinVar variation 4070860 (VCV004070860.1).

ClinVar aggregate classification (germline): Uncertain significance (1 of 4 stars; one submission).

gnomAD v4.1: 1 of 1,614,222 alleles (0.000062%); highest among the groups gnomAD compares: East Asian, 0.0022%; no homozygotes.

Submission:

GeneDx
Classification: Uncertain significance. Last evaluated: 2025-01-17. Review status: criteria provided, single submitter. Criteria: GeneDx Variant Classification Process June 2021. Collection method: clinical testing. Allele origin: germline. Affected: yes.
Comment: Not observed at significant frequency in large population cohorts (gnomAD); In silico analysis supports that this missense variant has a deleterious effect on protein structure/function; Has not been previously published as pathogenic or benign to our knowledge